The following is an entry in ClinVar:

NM_052845.4(MMAB):c.624C>T (p.Asn208=)

Gene: MMAB (metabolism of cobalamin associated B; minus strand). Cytogenetic location: 12q24.11.
Variant type: single nucleotide variant.
Coding change: c.624C>T on transcript NM_052845.4 (MANE Select); coding-DNA position 624, C replaced by T.
Protein change: p.Asn208=; no amino-acid change (asparagine 208 retained).
Molecular consequence: synonymous variant. On other transcripts: non-coding transcript variant (1).
Genome position (GRCh38, 1-based): chr12:109,559,116, G>A on the plus strand (C>T on the coding strand, the complement: MMAB is on the minus strand). VCF-style: chr12-109559116-G-A. GRCh37 (hg19) VCF-style: chr12-109996921-G-A.
Identifiers: ClinVar variation 387984 (VCV000387984.17), dbSNP rs146687452, ClinGen allele CA6778789.
Genomic context (GRCh38, chr12:109,559,116, plus strand): 5'-TCGGCTTTCAGAGAGGAACCCCCAGGTTCCACGCGAGTACCTGTTTAAGAACTTGGCCAC[G>A]TTCGCATCGGTCTCTCCCATCTGGACAAGAGGCACCACACTAGAAAGGGAGGAGACACTG-3'
Protein context (NP_443077.1, residues 198-218): PLVQMGETDA[Asn208=]VAKFLNRLSD

ClinVar aggregate classification (germline): Benign/Likely benign. Review status: criteria provided, multiple submitters, no conflicts (2 of 4 stars). 4 submissions from 4 submitters: Benign (1); Likely benign (2). 1 of the submissions does not count toward it. Last evaluated 2026-01-28.

Conditions:
MMAB-related disorder. Also called: MMAB-related condition.
Methylmalonic aciduria, cblB type (MACB). Also called: METHYLMALONIC ACIDURIA, VITAMIN B12-RESPONSIVE, DUE TO DEFECT IN SYNTHESIS OF ADENOSYLCOBALAMIN, cblB TYPE; Methylmalonic acidemia cblB type; Vitamin B12-responsive methylmalonic acidemia type cblB. Identifiers: Orphanet 28, Orphanet 79311, MedGen C1855102, MONDO:0009614, OMIM 251110.

Allele frequency attached by ClinVar (database versions not stated): TOPMed 0.00155; 1000 Genomes Project 30x 0.00156; 1000 Genomes Project 0.00160; ESP Exome Variant Server 0.00177; gnomAD exomes 0.00012 and 0.00032; ExAC 0.00041; gnomAD 0.00139 and 0.00146.
gnomAD v4.1: 392 of 1,613,800 alleles (0.024%); highest among the groups gnomAD compares: African/African-American, 0.46%; no homozygotes.

Submissions (4):

Labcorp Genetics (formerly Invitae), Labcorp
Classification: Benign for Methylmalonic aciduria, cblB type. Last evaluated: 2026-01-28. Review status: criteria provided, single submitter. Criteria: Invitae Variant Classification Sherloc (09022015). Collection method: clinical testing. Allele origin: germline.

PreventionGenetics, part of Exact Sciences
Classification: Likely benign for MMAB-related condition. Last evaluated: 2025-11-14. Review status: criteria provided, single submitter. Criteria: ACMG Guidelines, 2015. Collection method: clinical testing. Allele origin: germline.
Comment: This variant is classified as likely benign based on ACMG/AMP sequence variant interpretation guidelines (Richards et al. 2015 PMID: 25741868, with internal and published modifications).

GeneDx
Classification: Likely benign. Last evaluated: 2017-12-01. Review status: criteria provided, single submitter. Criteria: GeneDx Variant Classification (06012015). Collection method: clinical testing. Allele origin: germline. Affected: yes.
Comment: This variant is considered likely benign or benign based on one or more of the following criteria: it is a conservative change, it occurs at a poorly conserved position in the protein, it is predicted to be benign by multiple in silico algorithms, and/or has population frequency not consistent with disease.

Natera, Inc.
Classification: Likely benign for Methylmalonic aciduria cblB type. Last evaluated: 2019-12-06. Review status: no assertion criteria provided. Collection method: clinical testing. Allele origin: germline. Not counted in ClinVar's aggregate classification.